The following is an entry in ClinVar:

NM_000135.4(FANCA):c.197G>T (p.Gly66Val)

Gene: FANCA (FA complementation group A; minus strand). Cytogenetic location: 16q24.3.
Variant type: single nucleotide variant.
Coding change: c.197G>T on transcript NM_000135.4 (MANE Select); coding-DNA position 197, G replaced by T.
Protein change: p.Gly66Val; replaces glycine 66 with valine.
Molecular consequence: missense variant.
Genome position (GRCh38, 1-based): chr16:89,814,606, C>A on the plus strand (G>T on the coding strand, the complement: FANCA is on the minus strand). VCF-style: chr16-89814606-C-A. GRCh37 (hg19) VCF-style: chr16-89881014-C-A.
Other names: c.197G>T, p.Gly66Val (NM_001018112.3, NM_001286167.3, NM_001351830.2); short protein forms G66V.
Identifiers: ClinVar variation 4022331 (VCV004022331.1).
Genomic context (GRCh38, chr16:89,814,606, plus strand): 5'-TAGGCCTCAGAACTGTCACAGTCAATCACTTTGCTGAGAGACAATTTTTTACACAGTGGA[C>A]CTTCTACCTAGAATCCAAAACACAACAAACTCCATTTAAAAAATTCAAGCTCCAGGCCAG-3'
Protein context (NP_000126.2, residues 56-76): DLNALLLEVE[Gly66Val]PLCKKLSLSK

ClinVar aggregate classification (germline): Uncertain significance (1 of 4 stars; one submission).

Conditions:
Inborn genetic diseases. Identifiers: MedGen C0950123, MeSH D030342.

gnomAD v4.1: 4 of 1,612,416 alleles (0.00025%); highest among the groups gnomAD compares: African/African-American, 0.0053%; no homozygotes.

Submission:

Ambry Genetics
Classification: Uncertain significance for Inborn genetic diseases. Last evaluated: 2025-05-31. Review status: criteria provided, single submitter. Criteria: Ambry Variant Classification Scheme 2023. Collection method: clinical testing. Allele origin: germline.
Comment: The p.G66V variant (also known as c.197G>T), located in coding exon 3 of the FANCA gene, results from a G to T substitution at nucleotide position 197. The glycine at codon 66 is replaced by valine, an amino acid with dissimilar properties. This amino acid position is conserved. In addition, this alteration is predicted to be tolerated by in silico analysis. Based on the available evidence, the clinical significance of this variant remains unclear.